The following is an entry in ClinVar:

NM_001142800.2(EYS):c.6554A>T (p.Asn2185Ile)

Gene: EYS (EGF-like photoreceptor maintenance factor; minus strand). Cytogenetic location: 6q12.
Variant type: single nucleotide variant.
Coding change: c.6554A>T on transcript NM_001142800.2 (MANE Select); coding-DNA position 6554, A replaced by T.
Protein change: p.Asn2185Ile; replaces asparagine 2185 with isoleucine.
Molecular consequence: missense variant.
Genome position (GRCh38, 1-based): chr6:64,081,873, T>A on the plus strand (A>T on the coding strand, the complement: EYS is on the minus strand). VCF-style: chr6-64081873-T-A. GRCh37 (hg19) VCF-style: chr6-64791766-T-A.
Other names: c.6554A>T, p.Asn2185Ile (NM_001292009.2); short protein forms N2185I.
Identifiers: ClinVar variation 4281798 (VCV004281798.1).
Genomic context (GRCh38, chr6:64,081,873, plus strand): 5'-GAAAGAAACATGACATACAAGAAGTCAAACATTTAATACTCACTGTAAAGAATAGTTCCA[T>A]TTAAACTGTTTGTTTTTATAGTCAAGTAGATGGTAACAGTTCTGTTATGTTCCTTCTCCA-3'
Protein context (NP_001136272.1, residues 2175-2195): IYLTIKTNSL[Asn2185Ile]GTILYSNGNN

ClinVar aggregate classification (germline): Uncertain significance (1 of 4 stars; one submission).

gnomAD v4.1: 1 of 1,535,830 alleles (0.000065%); highest among the groups gnomAD compares: East Asian, 0.0025%; no homozygotes.

Submission:

GeneDx
Classification: Uncertain significance. Last evaluated: 2025-04-08. Review status: criteria provided, single submitter. Criteria: GeneDx Variant Classification Process June 2021. Collection method: clinical testing. Allele origin: germline. Affected: yes.
Comment: Not observed at significant frequency in large population cohorts (gnomAD); In silico analysis supports that this missense variant has a deleterious effect on protein structure/function; Has not been previously published as pathogenic or benign to our knowledge